The following is an entry in ClinVar:

ClinVar aggregate classification (germline): Likely pathogenic (0 of 4 stars; one submission).

Conditions:
Hereditary spastic paraplegia 46. Also called: Spastic paraplegia 46, autosomal recessive. Identifiers: Orphanet 320391, MedGen C2828721, MONDO:0013737, OMIM 614409.

Submission:

Solve-RD Consortium
Classification: Likely pathogenic for Hereditary spastic paraplegia 46. Last evaluated: 2022-06-01. Review status: no assertion criteria provided. Collection method: provider interpretation. Allele origin: inherited. Affected: yes.
Comment: Variant confirmed as disease-causing by referring clinical team

Variant identified during reanalysis of unsolved cases by the Solve-RD project. The Solve-RD project has received funding from the European Union’s Horizon 2020 research and innovation programme under grant agreement No 779257.

Literature cited by the submitters: PubMed 39825153.

NM_020944.3(GBA2):c.1255T>G (p.Phe419Val)

Gene: GBA2 (glucosylceramidase beta 2; minus strand). Cytogenetic location: 9p13.3.
Variant type: single nucleotide variant.
Coding change: c.1255T>G on transcript NM_020944.3 (MANE Select); coding-DNA position 1255, T replaced by G.
Protein change: p.Phe419Val; replaces phenylalanine 419 with valine.
Molecular consequence: missense variant.
Genome position (GRCh38, 1-based): chr9:35,740,237, A>C on the plus strand (T>G on the coding strand, the complement: GBA2 is on the minus strand). VCF-style: chr9-35740237-A-C. GRCh37 (hg19) VCF-style: chr9-35740234-A-C.
Other names: c.1255T>G, p.Phe419Val (NM_001330660.2); short protein forms F419V.
Identifiers: ClinVar variation 3256771 (VCV003256771.1).